The following is an entry in ClinVar:

ClinVar aggregate classification (germline): Pathogenic. Review status: criteria provided, multiple submitters, no conflicts (2 of 4 stars). 2 submissions from 2 submitters: Pathogenic (2). Last evaluated 2025-06-24.

Conditions:
Hereditary breast ovarian cancer syndrome. Also called: Hereditary breast and ovarian cancer syndrome; BRCA1- and BRCA2-Associated Hereditary Breast and Ovarian Cancer; Breast and ovarian cancer; Hereditary breast and ovarian cancer; Hereditary breast and ovarian cancer syndrome (HBOC); Hereditary breast and/or ovarian cancer syndrome. Identifiers: Orphanet 145, MedGen C0677776, MeSH D061325, MONDO:0003582. Disease mechanism: loss of function.
Hereditary cancer-predisposing syndrome. Also called: Hereditary Cancer Syndrome; Hereditary neoplastic syndrome; Tumor predisposition; Neoplastic Syndromes, Hereditary. Identifiers: Orphanet 140162, MedGen C0027672, MeSH D009386, MONDO:0015356.

Submissions (2):

Ambry Genetics
Classification: Pathogenic for Hereditary cancer-predisposing syndrome. Last evaluated: 2025-06-24. Review status: criteria provided, single submitter. Criteria: Ambry Variant Classification Scheme 2023. Collection method: clinical testing. Allele origin: germline.
Comment: The p.Q2065* variant (also known as c.6193C>T), located in coding exon 10 of the BRCA2 gene, results from a C to T substitution at nucleotide position 6193. This changes the amino acid from a glutamine to a stop codon within coding exon 10. This alteration is expected to result in loss of function by premature protein truncation or nonsense-mediated mRNA decay. As such, this alteration is interpreted as a disease-causing mutation.

Labcorp Genetics (formerly Invitae), Labcorp
Classification: Pathogenic for Hereditary breast ovarian cancer syndrome. Last evaluated: 2023-09-04. Review status: criteria provided, single submitter. Criteria: Invitae Variant Classification Sherloc (09022015). Collection method: clinical testing. Allele origin: germline.
Comment: This sequence change creates a premature translational stop signal (p.Gln2065*) in the BRCA2 gene. It is expected to result in an absent or disrupted protein product. Loss-of-function variants in BRCA2 are known to be pathogenic (PMID: 20104584). This variant is not present in population databases (gnomAD no frequency). This premature translational stop signal has been observed in individual(s) with breast cancer (PMID: 34290354). For these reasons, this variant has been classified as Pathogenic.

Literature cited by the submitters: PubMed 20104584 (cited by Labcorp Genetics (formerly Invitae), Labcorp); PubMed 34290354 (cited by Labcorp Genetics (formerly Invitae), Labcorp).

NM_000059.4(BRCA2):c.6193C>T (p.Gln2065Ter)

Gene: BRCA2 (BRCA2 DNA repair associated; plus strand). Cytogenetic location: 13q13.1.
Variant type: single nucleotide variant.
Coding change: c.6193C>T on transcript NM_000059.4 (MANE Select); coding-DNA position 6193, C replaced by T.
Protein change: p.Gln2065Ter; replaces glutamine 2065 with a stop codon.
Molecular consequence: nonsense.
Genome position (GRCh38, 1-based): chr13:32,340,548, C>T. VCF-style: chr13-32340548-C-T. GRCh37 (hg19) VCF-style: chr13-32914685-C-T.
Other names: c.6193C>T (NM_000059.3); short protein forms Q2065*.
Identifiers: ClinVar variation 2907440 (VCV002907440.4), dbSNP rs2137525105, ClinGen allele CA387788821.
Genomic context (GRCh38, chr13:32,340,548, plus strand): 5'-TTTTCATATAATGTGGTAAATTCATCTGCTTTCTCTGGATTTAGTACAGCAAGTGGAAAG[C>T]AAGTTTCCATTTTAGAAAGTTCCTTACACAAAGTTAAGGGAGTGTTAGAGGAATTTGATT-3'